The following is an entry in ClinVar:

ClinVar aggregate classification (germline): Uncertain significance (1 of 4 stars; one submission).

Submission:

Labcorp Genetics (formerly Invitae), Labcorp
Classification: Uncertain significance. Last evaluated: 2023-07-10. Review status: criteria provided, single submitter. Criteria: Invitae Variant Classification Sherloc (09022015). Collection method: clinical testing. Allele origin: germline.
Comment: This variant has not been reported in the literature in individuals affected with ZMYND11-related conditions. In summary, the available evidence is currently insufficient to determine the role of this variant in disease. Therefore, it has been classified as a Variant of Uncertain Significance. Advanced modeling of protein sequence and biophysical properties (such as structural, functional, and spatial information, amino acid conservation, physicochemical variation, residue mobility, and thermodynamic stability) performed at Invitae indicates that this missense variant is not expected to disrupt ZMYND11 protein function. ClinVar contains an entry for this variant (Variation ID: 2001153). This variant is not present in population databases (gnomAD no frequency). This sequence change replaces glutamine, which is neutral and polar, with histidine, which is basic and polar, at codon 141 of the ZMYND11 protein (p.Gln141His).

NM_001370100.5(ZMYND11):c.423G>C (p.Gln141His)

Gene: ZMYND11 (zinc finger MYND-type containing 11; plus strand). Cytogenetic location: 10p15.3.
Variant type: single nucleotide variant.
Coding change: c.423G>C on transcript NM_001370100.5 (MANE Select); coding-DNA position 423, G replaced by C.
Protein change: p.Gln141His; replaces glutamine 141 with histidine.
Molecular consequence: missense variant. On other transcripts: non-coding transcript variant (1), intron variant (18).
Genome position (GRCh38, 1-based): chr10:221,341, G>C. VCF-style: chr10-221341-G-C. GRCh37 (hg19) VCF-style: chr10-267281-G-C.
Other names: c.423G>C, p.Gln141His (NM_001161482.1, NM_001202468.1, NM_001370097.3 and 11 more transcripts); c.372G>C, p.Gln124His (NM_001330057.3, NM_001370112.2); c.357G>C, p.Gln119His (NM_001370116.2); c.303G>C, p.Gln101His (NM_001370118.2); c.276+11293G>C (NM_001370103.2, NM_001370104.2, NM_001370105.2 and 11 more transcripts); c.210+11293G>C (NM_001370120.2); c.-33-15497G>C (NM_001370124.3); c.225+11293G>C (NM_001370123.2); and 1 more; short protein forms Q119H, Q124H, Q141H, Q101H.
Identifiers: ClinVar variation 2001153 (VCV002001153.4), dbSNP rs2539525564, ClinGen allele CA375843188.